The following is an entry in ClinVar:

ClinVar aggregate classification (germline): Uncertain significance (1 of 4 stars; one submission).

Conditions:
ROBO3-related disorder. Also called: ROBO3-related condition.

gnomAD v4.1: 20 of 1,613,850 alleles (0.0012%); highest among the groups gnomAD compares: East Asian, 0.0022%; no homozygotes.

Submission:

PreventionGenetics, part of Exact Sciences
Classification: Uncertain significance for ROBO3-related condition. Last evaluated: 2024-12-18. Review status: criteria provided, single submitter. Criteria: ACMG Guidelines, 2015. Collection method: clinical testing. Allele origin: germline.
Comment: The ROBO3 c.1486C>T variant is predicted to result in the amino acid substitution p.Leu496Phe. To our knowledge, this variant has not been reported in the literature. This variant is reported in 0.0051% of alleles in individuals of East Asian descent in gnomAD. At this time, the clinical significance of this variant is uncertain due to the absence of conclusive functional and genetic evidence.

NM_022370.4(ROBO3):c.1486C>T (p.Leu496Phe)

Gene: ROBO3 (roundabout guidance receptor 3; plus strand). Cytogenetic location: 11q24.2.
Variant type: single nucleotide variant.
Coding change: c.1486C>T on transcript NM_022370.4 (MANE Select); coding-DNA position 1486, C replaced by T.
Protein change: p.Leu496Phe; replaces leucine 496 with phenylalanine.
Molecular consequence: missense variant.
Genome position (GRCh38, 1-based): chr11:124,873,039, C>T. VCF-style: chr11-124873039-C-T. GRCh37 (hg19) VCF-style: chr11-124742935-C-T.
Other names: short protein forms L496F.
Identifiers: ClinVar variation 4985263 (VCV004985263.1).